The following is an entry in ClinVar:

ClinVar aggregate classification (germline): Uncertain significance (1 of 4 stars; one submission).

Submission:

CeGaT Center for Human Genetics Tuebingen
Classification: Uncertain significance. Last evaluated: 2024-06-01. Review status: criteria provided, single submitter. Criteria: CeGaT Center For Human Genetics Tuebingen Variant Classification Criteria Version 2. Collection method: clinical testing. Allele origin: germline. Affected: yes. Observed: 1 variant allele.
Comment: KAT5: PM2

NM_182710.3(KAT5):c.1171_1174del (p.Glu391fs)

Gene: KAT5 (lysine acetyltransferase 5; plus strand). Cytogenetic location: 11q13.1.
Variant type: Deletion.
Coding change: c.1171_1174del on transcript NM_182710.3 (MANE Select); coding-DNA positions 1171 to 1174, 4 bases deleted (GAGA; older notation c.1171_1174delGAGA).
Protein change: p.Glu391fs; shifts the reading frame from glutamic acid 391.
Molecular consequence: frameshift variant.
Genome position (GRCh38, 1-based): chr11:65,716,889-65,716,892, GAGA deleted. VCF-style (leftmost placement, unchanged base first): chr11-65716888-GGAGA-G. GRCh37 (hg19) VCF-style: chr11-65484359-GGAGA-G.
Other names: c.1015_1018del, p.Glu339fs (NM_001206833.2); c.1072_1075del, p.Glu358fs (NM_006388.4); c.916_919del, p.Glu306fs (NM_182709.3); short protein forms E306fs, E339fs, E358fs, E391fs.
Identifiers: ClinVar variation 3251196 (VCV003251196.18), dbSNP rs2495287538.